The following is an entry in ClinVar:

NM_000059.4(BRCA2):c.9254dup (p.Gly3086fs)

Gene: BRCA2 (BRCA2 DNA repair associated; plus strand). Cytogenetic location: 13q13.1.
Variant type: Duplication.
Coding change: c.9254dup on transcript NM_000059.4 (MANE Select); coding-DNA position 9254, one base duplicated (C; older notation c.9254dupC).
Protein change: p.Gly3086fs; shifts the reading frame from glycine 3086.
Molecular consequence: frameshift variant.
Genome position (GRCh38, 1-based): chr13:32,380,143, C duplicated. VCF-style (leftmost placement, unchanged base first): chr13-32380142-A-AC. GRCh37 (hg19) VCF-style: chr13-32954279-A-AC.
Other names: 9482insC-ter3110; short protein forms G3086fs.
Identifiers: ClinVar variation 267147 (VCV000267147.3), dbSNP rs886040826, ClinGen allele CA10589554.

ClinVar aggregate classification (germline): Pathogenic (3 of 4 stars; one submission).

Conditions:
Breast-ovarian cancer, familial, susceptibility to, 2 (BROVCA2). Also called: BRCA2 Hereditary Breast and Ovarian Cancer. Identifiers: Orphanet 145, MedGen C2675520, MONDO:0012933, OMIM 612555. Disease mechanism: loss of function.

Submission:

Evidence-based Network for the Interpretation of Germline Mutant Alleles (ENIGMA)
Classification: Pathogenic for Breast-ovarian cancer, familial, susceptibility to, 2. Last evaluated: 2016-10-18. Review status: reviewed by expert panel. Criteria: ENIGMA BRCA1/2 Classification Criteria (2015). Collection method: curation. Allele origin: germline.
Comment: Variant allele predicted to encode a truncated non-functional protein.